The following is an entry in ClinVar:

ClinVar aggregate classification (germline): Uncertain significance. Review status: criteria provided, multiple submitters, no conflicts (2 of 4 stars). 2 submissions from 2 submitters: Uncertain significance (2). Last evaluated 2025-11-05.

Conditions:
Cardiovascular phenotype. Identifiers: MedGen CN230736.
Primary familial hypertrophic cardiomyopathy (HCM). Identifiers: Orphanet 99739, MedGen C0949658, MeSH D024741, MONDO:0024573. Inheritance: Various modes of inheritance.
Dilated cardiomyopathy 1AA (CMD1AA). Also called: CARDIOMYOPATHY, FAMILIAL HYPERTROPHIC, 23, WITH OR WITHOUT LEFT VENTRICULAR NONCOMPACTION; CARDIOMYOPATHY, DILATED, 1AA, WITH OR WITHOUT LEFT VENTRICULAR NONCOMPACTION; Cardiomyopathy, dilated, 1AA, with or without LVNC. Identifiers: Orphanet 154, MedGen C2677338, MONDO:0012808, OMIM 612158.

Allele frequency attached by ClinVar (database versions not stated): ExAC 0.00001; gnomAD exomes 0.00001.
gnomAD v4.1: 9 of 1,561,260 alleles (0.00058%); highest among the groups gnomAD compares: Middle Eastern, 0.052%; no homozygotes.

Submissions (2):

Labcorp Genetics (formerly Invitae), Labcorp
Classification: Uncertain significance for Primary familial hypertrophic cardiomyopathy; Dilated cardiomyopathy 1AA. Last evaluated: 2025-11-05. Review status: criteria provided, single submitter. Criteria: Invitae Variant Classification Sherloc (09022015). Collection method: clinical testing. Allele origin: germline.
Comment: This sequence change replaces isoleucine, which is neutral and non-polar, with methionine, which is neutral and non-polar, at codon 4 of the ACTN2 protein (p.Ile4Met). The frequency data for this variant in the population databases is considered unreliable, as metrics indicate poor data quality at this position in the gnomAD database. This variant has not been reported in the literature in individuals affected with ACTN2-related conditions. ClinVar contains an entry for this variant (Variation ID: 1041227). An algorithm developed to predict the effect of missense changes on protein structure and function (PolyPhen-2) suggests that this variant is likely to be tolerated. In summary, the available evidence is currently insufficient to determine the role of this variant in disease. Therefore, it has been classified as a Variant of Uncertain Significance.

Ambry Genetics
Classification: Uncertain significance for Cardiovascular phenotype. Last evaluated: 2025-08-29. Review status: criteria provided, single submitter. Criteria: Ambry Variant Classification Scheme 2023. Collection method: clinical testing. Allele origin: germline.

NM_001103.4(ACTN2):c.12A>G (p.Ile4Met)

Gene: ACTN2 (actinin alpha 2; plus strand). Cytogenetic location: 1q43.
Variant type: single nucleotide variant.
Coding change: c.12A>G on transcript NM_001103.4 (MANE Select); coding-DNA position 12, A replaced by G.
Protein change: p.Ile4Met; replaces isoleucine 4 with methionine.
Molecular consequence: missense variant. On other transcripts: 5 prime UTR variant (1).
Genome position (GRCh38, 1-based): chr1:236,686,685, A>G. VCF-style: chr1-236686685-A-G. GRCh37 (hg19) VCF-style: chr1-236849985-A-G.
Other names: c.12A>G (NM_001103.2); c.12A>G, p.Ile4Met (NM_001278343.2); c.-810A>G (NM_001278344.2); short protein forms I4M.
Identifiers: ClinVar variation 1041227 (VCV001041227.6), dbSNP rs781720338, ClinGen allele CA1472693.
Genomic context (GRCh38, chr1:236,686,685, plus strand): 5'-TGCGTCCGAGCCCCTCGCGCCCCGCCGCAGCCCCGGCCAACCGAGCGCCATGAACCAGAT[A>G]GAGCCCGGCGTGCAGTACAACTACGTGTACGACGAGGATGAGTACATGATCCAGGAGGAG-3'
Protein context (NP_001094.1, residues 1-14): MNQ[Ile4Met]EPGVQYNYVY